The following is an entry in ClinVar:

ClinVar aggregate classification (germline): Uncertain significance. Review status: criteria provided, multiple submitters, no conflicts (2 of 4 stars). 2 submissions from 2 submitters: Uncertain significance (2). Last evaluated 2024-06-15.

Conditions:
Aortic aneurysm, familial thoracic 7 (AAT7). Also called: AORTIC DISSECTION, FAMILIAL, WITH OR WITHOUT AORTIC ANEURYSM. Identifiers: MedGen C3151077, MONDO:0013418, OMIM 613780.
Familial thoracic aortic aneurysm and aortic dissection (TAAD). Also called: Thoracic aortic aneurysms and dissections. Identifiers: Orphanet 91387, MedGen C4707243, MONDO:0019625.

gnomAD v4.1: 13 of 1,612,208 alleles (0.00081%); highest among the groups gnomAD compares: Non-Finnish European, 0.0011%; no homozygotes.

Submissions (2):

Labcorp Genetics (formerly Invitae), Labcorp
Classification: Uncertain significance for Aortic aneurysm, familial thoracic 7. Last evaluated: 2024-06-15. Review status: criteria provided, single submitter. Criteria: Invitae Variant Classification Sherloc (09022015). Collection method: clinical testing. Allele origin: germline.
Comment: This sequence change replaces arginine, which is basic and polar, with glycine, which is neutral and non-polar, at codon 57 of the MYLK protein (p.Arg57Gly). This variant is present in population databases (no rsID available, gnomAD 0.003%). This variant has not been reported in the literature in individuals affected with MYLK-related conditions. ClinVar contains an entry for this variant (Variation ID: 2081836). Advanced modeling of protein sequence and biophysical properties (such as structural, functional, and spatial information, amino acid conservation, physicochemical variation, residue mobility, and thermodynamic stability) performed at Invitae indicates that this missense variant is not expected to disrupt MYLK protein function with a negative predictive value of 95%. In summary, the available evidence is currently insufficient to determine the role of this variant in disease. Therefore, it has been classified as a Variant of Uncertain Significance.

Ambry Genetics
Classification: Uncertain significance for Familial thoracic aortic aneurysm and aortic dissection. Last evaluated: 2024-04-21. Review status: criteria provided, single submitter. Criteria: Ambry Variant Classification Scheme 2023. Collection method: clinical testing. Allele origin: germline.
Comment: The p.R57G variant (also known as c.169C>G), located in coding exon 2 of the MYLK gene, results from a C to G substitution at nucleotide position 169. The arginine at codon 57 is replaced by glycine, an amino acid with dissimilar properties. This amino acid position is conserved. In addition, the in silico prediction for this alteration is inconclusive. Based on the available evidence, the clinical significance of this variant remains unclear.

NM_053025.4(MYLK):c.169C>G (p.Arg57Gly)

Gene: MYLK (myosin light chain kinase; minus strand). Cytogenetic location: 3q21.1.
Variant type: single nucleotide variant.
Coding change: c.169C>G on transcript NM_053025.4 (MANE Select); coding-DNA position 169, C replaced by G.
Protein change: p.Arg57Gly; replaces arginine 57 with glycine.
Molecular consequence: missense variant. On other transcripts: intron variant (1).
Genome position (GRCh38, 1-based): chr3:123,752,535, G>C on the plus strand (C>G on the coding strand, the complement: MYLK is on the minus strand). VCF-style: chr3-123752535-G-C. GRCh37 (hg19) VCF-style: chr3-123471382-G-C.
Other names: c.169C>G, p.Arg57Gly (NM_053026.4, NM_053027.4, NM_053028.4); c.-155-12534C>G (NM_001321309.2); short protein forms R57G.
Identifiers: ClinVar variation 2081836 (VCV002081836.6), dbSNP rs776636237, ClinGen allele CA82953203.